The following is an entry in ClinVar:

ClinVar aggregate classification (germline): Likely benign (0 of 4 stars; one submission).

Conditions:
OTUD1-related disorder. Also called: OTUD1-related condition.

Allele frequency attached by ClinVar (database versions not stated): gnomAD 0.00003; TOPMed 0.00003.
gnomAD v4.1: 40 of 1,442,942 alleles (0.0028%); highest among the groups gnomAD compares: Admixed American, 0.0079%; no homozygotes.

Submission:

PreventionGenetics, part of Exact Sciences
Classification: Likely benign for OTUD1-related condition. Last evaluated: 2019-03-04. Review status: no assertion criteria provided. Collection method: clinical testing. Allele origin: germline.
Comment: This variant is classified as likely benign based on ACMG/AMP sequence variant interpretation guidelines (Richards et al. 2015 PMID: 25741868, with internal and published modifications).

NM_001145373.3(OTUD1):c.564G>T (p.Gly188=)

Genes: OTUD1 (OTU deubiquitinase 1; plus strand), LOC130003514 (ATAC-STARR-seq lymphoblastoid silent region 2219; plus strand). Cytogenetic location: 10p12.2.
Variant type: single nucleotide variant.
Coding change: c.564G>T on transcript NM_001145373.3 (MANE Select); coding-DNA position 564, G replaced by T.
Protein change: p.Gly188=; no amino-acid change (glycine 188 retained).
Molecular consequence: synonymous variant.
Genome position (GRCh38, 1-based): chr10:23,440,021, G>T. VCF-style: chr10-23440021-G-T. GRCh37 (hg19) VCF-style: chr10-23728950-G-T.
Identifiers: ClinVar variation 3047957 (VCV003047957.2), dbSNP rs1384127775, ClinGen allele CA468664191.